The following is an entry in ClinVar:

ClinVar aggregate classification (germline): Uncertain significance (1 of 4 stars; one submission).

gnomAD v4.1: 1 of 1,606,298 alleles (0.000062%); highest among the groups gnomAD compares: Non-Finnish European, 0.000085%; no homozygotes.

Submission:

Labcorp Genetics (formerly Invitae), Labcorp
Classification: Uncertain significance. Last evaluated: 2023-12-11. Review status: criteria provided, single submitter. Criteria: Invitae Variant Classification Sherloc (09022015). Collection method: clinical testing. Allele origin: germline.
Comment: This sequence change replaces valine, which is neutral and non-polar, with leucine, which is neutral and non-polar, at codon 499 of the IL6ST protein (p.Val499Leu). This variant is not present in population databases (gnomAD no frequency). This variant has not been reported in the literature in individuals affected with IL6ST-related conditions. ClinVar contains an entry for this variant (Variation ID: 1940723). An algorithm developed to predict the effect of missense changes on protein structure and function (PolyPhen-2) suggests that this variant is likely to be tolerated. In summary, the available evidence is currently insufficient to determine the role of this variant in disease. Therefore, it has been classified as a Variant of Uncertain Significance.

NM_002184.4(IL6ST):c.1495G>T (p.Val499Leu)

Gene: IL6ST (interleukin 6 cytokine family signal transducer; minus strand). Cytogenetic location: 5q11.2.
Variant type: single nucleotide variant.
Coding change: c.1495G>T on transcript NM_002184.4 (MANE Select); coding-DNA position 1495, G replaced by T.
Protein change: p.Val499Leu; replaces valine 499 with leucine.
Molecular consequence: missense variant. On other transcripts: 3 prime UTR variant (1), non-coding transcript variant (2), intron variant (1).
Genome position (GRCh38, 1-based): chr5:55,952,307, C>A on the plus strand (G>T on the coding strand, the complement: IL6ST is on the minus strand). VCF-style: chr5-55952307-C-A. GRCh37 (hg19) VCF-style: chr5-55248135-C-A.
Other names: c.1312G>T, p.Val438Leu (NM_001190981.2); c.1285G>T, p.Val429Leu (NM_001364276.2); c.628G>T, p.Val210Leu (NM_001364277.2); c.592G>T, p.Val198Leu (NM_001364278.2); c.499G>T, p.Val167Leu (NM_001364279.2); c.*422G>T (NM_175767.3); c.1451-232G>T (NM_001364275.2); short protein forms V198L, V499L, V167L, V429L, V210L, V438L.
Identifiers: ClinVar variation 1940723 (VCV001940723.5), dbSNP rs34417936, ClinGen allele CA359762609.